The following is an entry in ClinVar:

NM_014141.6(CNTNAP2):c.2240C>T (p.Ala747Val)

Gene: CNTNAP2 (contactin associated protein 2; plus strand). Cytogenetic location: 7q35.
Variant type: single nucleotide variant.
Coding change: c.2240C>T on transcript NM_014141.6 (MANE Select); coding-DNA position 2240, C replaced by T.
Protein change: p.Ala747Val; replaces alanine 747 with valine.
Molecular consequence: missense variant.
Genome position (GRCh38, 1-based): chr7:147,903,706, C>T. VCF-style: chr7-147903706-C-T. GRCh37 (hg19) VCF-style: chr7-147600798-C-T.
Other names: short protein forms A747V.
Identifiers: ClinVar variation 647004 (VCV000647004.9), dbSNP rs200214541, ClinGen allele CA4546337.
Genomic context (GRCh38, chr7:147,903,706, plus strand): 5'-AATGTGCCTGCGGCATCGAACGCAACTGCACAGATCCCAAGTACTACTGTAACTGCGACG[C>T]GGACTACAAGCAATGGTGAGTGCCTGCGGGCAGCACAGCCAGGCTCACCCTCCCAGTGTG-3'
Protein context (NP_054860.1, residues 737-757): TDPKYYCNCD[Ala747Val]DYKQWRKDAG

ClinVar aggregate classification (germline): Uncertain significance. Review status: criteria provided, multiple submitters, no conflicts (2 of 4 stars). 3 submissions from 3 submitters: Uncertain significance (3). Last evaluated 2024-07-01.

Conditions:
Cortical dysplasia-focal epilepsy syndrome (PTHSL1). Also called: Pitt-Hopkins-like syndrome 1. Identifiers: Orphanet 163681, Orphanet 221150, MedGen C2750246, MONDO:0012400, OMIM 610042.

Allele frequency attached by ClinVar (database versions not stated): gnomAD 0.00003; TOPMed 0.00003; 1000 Genomes Project 30x 0.00016; 1000 Genomes Project 0.00020.
gnomAD v4.1: 37 of 1,613,740 alleles (0.0023%); highest among the groups gnomAD compares: East Asian, 0.04%; no homozygotes.

Submissions (3):

GeneDx
Classification: Uncertain significance. Last evaluated: 2024-07-01. Review status: criteria provided, single submitter. Criteria: GeneDx Variant Classification Process June 2021. Collection method: clinical testing. Allele origin: germline. Affected: yes.
Comment: In silico analysis supports that this missense variant has a deleterious effect on protein structure/function; This variant is associated with the following publications: (PMID: 34733949)

Labcorp Genetics (formerly Invitae), Labcorp
Classification: Uncertain significance for Cortical dysplasia-focal epilepsy syndrome. Last evaluated: 2022-07-23. Review status: criteria provided, single submitter. Criteria: Invitae Variant Classification Sherloc (09022015). Collection method: clinical testing. Allele origin: germline.
Comment: This sequence change replaces alanine, which is neutral and non-polar, with valine, which is neutral and non-polar, at codon 747 of the CNTNAP2 protein (p.Ala747Val). This variant is present in population databases (rs200214541, gnomAD 0.1%). This variant has not been reported in the literature in individuals affected with CNTNAP2-related conditions. ClinVar contains an entry for this variant (Variation ID: 647004). Algorithms developed to predict the effect of missense changes on protein structure and function (SIFT, PolyPhen-2, Align-GVGD) all suggest that this variant is likely to be disruptive. In summary, the available evidence is currently insufficient to determine the role of this variant in disease. Therefore, it has been classified as a Variant of Uncertain Significance.

Baylor Genetics
Classification: Uncertain significance for Cortical dysplasia-focal epilepsy syndrome. Last evaluated: 2018-08-27. Review status: criteria provided, single submitter. Criteria: ACMG Guidelines, 2015. Collection method: clinical testing. Allele origin: unknown. Affected: yes.
Comment: This variant was determined to be of uncertain significance according to ACMG Guidelines, 2015 [PMID:25741868].